The following is an entry in ClinVar:

ClinVar aggregate classification (germline): Uncertain significance (1 of 4 stars; one submission).

Allele frequency attached by ClinVar (database versions not stated): gnomAD exomes below 0.00001; TOPMed 0.00003; gnomAD 0.00006.
gnomAD v4.1: 11 of 1,613,774 alleles (0.00068%); highest among the groups gnomAD compares: African/African-American, 0.015%; no homozygotes.

Submission:

Labcorp Genetics (formerly Invitae), Labcorp
Classification: Uncertain significance. Last evaluated: 2021-08-26. Review status: criteria provided, single submitter. Criteria: Invitae Variant Classification Sherloc (09022015). Collection method: clinical testing. Allele origin: germline.
Comment: This sequence change replaces serine with proline at codon 1736 of the PCLO protein (p.Ser1736Pro). The serine residue is moderately conserved and there is a moderate physicochemical difference between serine and proline. This variant is not present in population databases (ExAC no frequency). This variant has not been reported in the literature in individuals affected with PCLO-related conditions. Algorithms developed to predict the effect of missense changes on protein structure and function are either unavailable or do not agree on the potential impact of this missense change (SIFT: "Deleterious"; PolyPhen-2: "Not Available"; Align-GVGD: "Class C0"). In summary, the available evidence is currently insufficient to determine the role of this variant in disease. Therefore, it has been classified as a Variant of Uncertain Significance.

NM_033026.6(PCLO):c.5206T>C (p.Ser1736Pro)

Gene: PCLO (piccolo presynaptic cytomatrix protein; minus strand). Cytogenetic location: 7q21.11.
Variant type: single nucleotide variant.
Coding change: c.5206T>C on transcript NM_033026.6 (MANE Select); coding-DNA position 5206, T replaced by C.
Protein change: p.Ser1736Pro; replaces serine 1736 with proline.
Molecular consequence: missense variant.
Genome position (GRCh38, 1-based): chr7:82,955,747, A>G on the plus strand (T>C on the coding strand, the complement: PCLO is on the minus strand). VCF-style: chr7-82955747-A-G. GRCh37 (hg19) VCF-style: chr7-82585063-A-G.
Other names: c.5206T>C, p.Ser1736Pro (NM_014510.3); short protein forms S1736P.
Identifiers: ClinVar variation 1374978 (VCV001374978.5), dbSNP rs975652838, ClinGen allele CA161150436.